The following is an entry in ClinVar:

ClinVar aggregate classification (germline): Uncertain significance. Review status: criteria provided, multiple submitters, no conflicts (2 of 4 stars). 2 submissions from 2 submitters: Uncertain significance (2). Last evaluated 2024-12-09.

Conditions:
Inborn genetic diseases. Identifiers: MedGen C0950123, MeSH D030342.

Allele frequency attached by ClinVar (database versions not stated): gnomAD exomes 0.00001; TOPMed 0.00001.
gnomAD v4.1: 19 of 1,613,970 alleles (0.0012%); highest among the groups gnomAD compares: Admixed American, 0.0017%; no homozygotes.

Submissions (2):

Labcorp Genetics (formerly Invitae), Labcorp
Classification: Uncertain significance. Last evaluated: 2024-12-09. Review status: criteria provided, single submitter. Criteria: Invitae Variant Classification Sherloc (09022015). Collection method: clinical testing. Allele origin: germline.
Comment: This sequence change replaces valine, which is neutral and non-polar, with alanine, which is neutral and non-polar, at codon 279 of the RIN2 protein (p.Val279Ala). This variant is not present in population databases (gnomAD no frequency). This variant has not been reported in the literature in individuals affected with RIN2-related conditions. ClinVar contains an entry for this variant (Variation ID: 1923767). Experimental studies and prediction algorithms are not available or were not evaluated, and the functional significance of this variant is currently unknown. In summary, the available evidence is currently insufficient to determine the role of this variant in disease. Therefore, it has been classified as a Variant of Uncertain Significance.

Ambry Genetics
Classification: Uncertain significance for Inborn genetic diseases. Last evaluated: 2024-10-09. Review status: criteria provided, single submitter. Criteria: Ambry Variant Classification Scheme 2023. Collection method: clinical testing. Allele origin: germline.

NM_018993.4(RIN2):c.836T>C (p.Val279Ala)

Gene: RIN2 (Ras and Rab interactor 2; plus strand). Cytogenetic location: 20p11.23.
Variant type: single nucleotide variant.
Coding change: c.836T>C on transcript NM_018993.4 (MANE Select); coding-DNA position 836, T replaced by C.
Protein change: p.Val279Ala; replaces valine 279 with alanine.
Molecular consequence: missense variant.
Genome position (GRCh38, 1-based): chr20:19,974,861, T>C. VCF-style: chr20-19974861-T-C. GRCh37 (hg19) VCF-style: chr20-19955505-T-C.
Other names: c.836T>C (NM_018993.3); c.983T>C, p.Val328Ala (NM_001242581.2); c.218T>C, p.Val73Ala (NM_001378238.1); short protein forms V279A, V328A, V73A.
Identifiers: ClinVar variation 1923767 (VCV001923767.6), dbSNP rs2042219332, ClinGen allele CA408361076.
Genomic context (GRCh38, chr20:19,974,861, plus strand): 5'-AGCTGGAGTGCAGCCAGACCAACGGGGCCCTGTGCTTTATTAATCCCCTTTTCTTGAAAG[T>C]GCACAGCCAGGACCTCAGTGGAGGCCTGAAACGGCCGAGCACAAGGACTCCCAACGCGAA-3'
Protein context (NP_061866.1, residues 269-289): LCFINPLFLK[Val279Ala]HSQDLSGGLK